The following is an entry in ClinVar:

NR_172944.1(GGT2):n.977C>T

Gene: GGT2 (gamma-glutamyltransferase 2; minus strand). Cytogenetic location: 22q11.21.
Variant type: single nucleotide variant.
Molecular consequence: non-coding transcript variant (on NR_172944.1).
Genome position: GRCh38 VCF-style: chr22-21225492-G-A. GRCh37 (hg19) VCF-style: chr22-21579781-G-A.
Identifiers: ClinVar variation 3771348 (VCV003771348.13).

ClinVar aggregate classification (germline): Likely benign (1 of 4 stars; one submission).

Submission:

CeGaT Center for Human Genetics Tuebingen
Classification: Likely benign. Last evaluated: 2025-02-01. Review status: criteria provided, single submitter. Criteria: CeGaT Center For Human Genetics Tuebingen Variant Classification Criteria Version 2. Collection method: clinical testing. Allele origin: germline. Affected: yes. Observed: 1 variant allele.
Comment: GGT2P: PM2:Supporting, BP4, BP7